The following is an entry in ClinVar:

NM_000191.3(HMGCL):c.835G>T (p.Glu279Ter)

Gene: HMGCL (3-hydroxy-3-methylglutaryl-CoA lyase; minus strand). Cytogenetic location: 1p36.11.
Variant type: single nucleotide variant.
Coding change: c.835G>T on transcript NM_000191.3 (MANE Select); coding-DNA position 835, G replaced by T.
Protein change: p.Glu279Ter; replaces glutamic acid 279 with a stop codon.
Molecular consequence: nonsense.
Genome position (GRCh38, 1-based): chr1:23,804,441, C>A on the plus strand (G>T on the coding strand, the complement: HMGCL is on the minus strand). VCF-style: chr1-23804441-C-A. GRCh37 (hg19) VCF-style: chr1-24130931-C-A.
Other names: c.622G>T, p.Glu208Ter (NM_001166059.2); short protein forms E208*, E279*.
Identifiers: ClinVar variation 4081707 (VCV004081707.1).

ClinVar aggregate classification (germline): Pathogenic (1 of 4 stars; one submission).

Conditions:
Deficiency of hydroxymethylglutaryl-CoA lyase (HMGCLD). Also called: HMGCL DEFICIENCY; HYDROXYMETHYLGLUTARIC ACIDURIA; HMG-CoA LYASE DEFICIENCY; Defect in leucine metabolism; 3-hydroxy-3-methylglutaric aciduria. Identifiers: Orphanet 20, MedGen C1533587, MONDO:0009520, OMIM 246450.

Submission:

Myriad Genetics, Inc.
Classification: Pathogenic for Deficiency of hydroxymethylglutaryl-CoA lyase. Last evaluated: 2025-06-24. Review status: criteria provided, single submitter. Criteria: Myriad Autosomal Dominant, Autosomal Recessive and X-Linked Classification Criteria (2023). Collection method: clinical testing. Allele origin: unknown.
Comment: NM_000191.2(HMGCL):c.835G>T(E279*) is a nonsense variant classified as pathogenic in the context of HMG-CoA lyase deficiency. E279* has not been observed in cases with relevant disease. Relevant functional assessments of this variant are not available in the literature. E279* has not been observed in referenced population frequency databases. In summary, NM_000191.2(HMGCL):c.835G>T(E279*) is a nonsense variant in a gene where loss of function is a known mechanism of disease and is predicted to disrupt protein function. Please note: this variant was assessed in the context of healthy population screening.